The following is an entry in ClinVar:

ClinVar aggregate classification (germline): Conflicting classifications of pathogenicity. Review status: criteria provided, conflicting classifications (1 of 4 stars). 2 submissions from 2 submitters: Uncertain significance (1); Likely benign (1). Last evaluated 2025-07-23.

Conditions:
Multiple endocrine neoplasia, type 2 (MEN2). Identifiers: Orphanet 653, MedGen C4048306, MONDO:0019003. Disease mechanism: gain of function.
Hereditary cancer-predisposing syndrome. Also called: Tumor predisposition; Hereditary neoplastic syndrome; Neoplastic Syndromes, Hereditary; Hereditary Cancer Syndrome. Identifiers: Orphanet 140162, MedGen C0027672, MeSH D009386, MONDO:0015356.

gnomAD v4.1: 1 of 1,614,248 alleles (0.000062%); no homozygotes.

Submissions (2):

Ambry Genetics
Classification: Uncertain significance for Hereditary cancer-predisposing syndrome. Last evaluated: 2025-07-23. Review status: criteria provided, single submitter. Criteria: Ambry Variant Classification Scheme 2023. Collection method: clinical testing. Allele origin: germline.
Comment: The c.375C>T variant (also known as p.V125V), located in coding exon 3 of the RET gene, results from a C to T substitution at nucleotide position 375. This nucleotide substitution does not change the amino acid at codon 125. This variant was reported in individual(s) with features consistent with Hirschsprung disease (Virtanen VB et al. Eur J Med Genet, 2019 Apr;62:229-234). This nucleotide position is not well conserved in available vertebrate species. In silico splice site analysis for this alteration is inconclusive. Based on the available evidence, the clinical significance of this variant remains unclear.

Labcorp Genetics (formerly Invitae), Labcorp
Classification: Likely benign for Multiple endocrine neoplasia, type 2. Last evaluated: 2022-09-17. Review status: criteria provided, single submitter. Criteria: Invitae Variant Classification Sherloc (09022015). Collection method: clinical testing. Allele origin: germline.

Literature cited by the submitters: PubMed 30031151 (cited by Ambry Genetics).

NM_020975.6(RET):c.375C>T (p.Val125=)

Gene: RET (ret proto-oncogene; plus strand). Cytogenetic location: 10q11.21.
Variant type: single nucleotide variant.
Coding change: c.375C>T on transcript NM_020975.6 (MANE Select); coding-DNA position 375, C replaced by T.
Protein change: p.Val125=; no amino-acid change (valine 125 retained).
Molecular consequence: synonymous variant. On other transcripts: intron variant (22).
Genome position (GRCh38, 1-based): chr10:43,102,379, C>T. VCF-style: chr10-43102379-C-T. GRCh37 (hg19) VCF-style: chr10-43597827-C-T.
Other names: c.375C>T, p.Val125= (NM_000323.2, NM_001406743.1, NM_001406744.1 and 16 more transcripts); c.338-92C>T (NM_001406764.1, NM_001406762.1, NM_001406761.1 and 4 more transcripts); c.337+1657C>T (NM_001406770.1, NM_001406766.1, NM_001406767.1 and 8 more transcripts); c.74-6652C>T (NM_001406784.1); c.74-9720C>T (NM_001406794.1, NM_001406792.1, NM_001406793.1).
Identifiers: ClinVar variation 2200425 (VCV002200425.5), dbSNP rs1800859, ClinGen allele CA469279153.